The following is an entry in ClinVar:

NM_020843.4(SCAPER):c.4100-4_4100-3del

Gene: SCAPER (S-phase cyclin A associated protein in the ER; minus strand). Cytogenetic location: 15q24.3.
Variant type: Microsatellite.
Coding change: c.4100-4_4100-3del on transcript NM_020843.4 (MANE Select); 4 bases into the intron before coding-DNA position 4100 through 3 bases into the intron before coding-DNA position 4100, 2 bases deleted (TC; older notation c.4100-4_4100-3delTC).
Molecular consequence: intron variant.
Genome position (GRCh38, 1-based): chr15:76,348,739-76,348,740, GA deleted on the plus strand (TC on the coding strand, the reverse complement: SCAPER is on the minus strand); deleting any 2 consecutive bases within chr15:76,348,739-76,348,743 gives the same sequence; the c. name uses the placement nearest the transcript's 3' end. VCF-style (leftmost placement, unchanged base first): chr15-76348738-TGA-T. GRCh37 (hg19) VCF-style: chr15-76641079-TGA-T.
Other names: c.3716-4_3716-3del (NM_001353011.2); c.3698-4_3698-3del (NM_001353012.2, NM_001353010.2); c.4118-4_4118-3del (NM_001353009.2); c.3362-4_3362-3del (NM_001145923.2).
Identifiers: ClinVar variation 4981232 (VCV004981232.1).

ClinVar aggregate classification (germline): Likely benign (1 of 4 stars; one submission).

Conditions:
SCAPER-related disorder. Also called: SCAPER-related condition.

Submission:

PreventionGenetics, part of Exact Sciences
Classification: Likely benign for SCAPER-related condition. Last evaluated: 2025-02-20. Review status: criteria provided, single submitter. Criteria: ACMG Guidelines, 2015. Collection method: clinical testing. Allele origin: germline.
Comment: This variant is classified as likely benign based on ACMG/AMP sequence variant interpretation guidelines (Richards et al. 2015 PMID: 25741868, with internal and published modifications).